The following is an entry in ClinVar:

ClinVar aggregate classification (germline): Uncertain significance (1 of 4 stars; one submission).

Allele frequency attached by ClinVar (database versions not stated): gnomAD exomes below 0.00001.
gnomAD v4.1: 1 of 1,586,668 alleles (0.000063%); highest among the groups gnomAD compares: Non-Finnish European, 0.000086%; no homozygotes.

Submission:

Labcorp Genetics (formerly Invitae), Labcorp
Classification: Uncertain significance. Last evaluated: 2024-02-24. Review status: criteria provided, single submitter. Criteria: Invitae Variant Classification Sherloc (09022015). Collection method: clinical testing. Allele origin: germline.
Comment: This sequence change falls in intron 9 of the KIZ gene. It does not directly change the encoded amino acid sequence of the KIZ protein. It affects a nucleotide within the consensus splice site. This variant is not present in population databases (gnomAD no frequency). This variant has not been reported in the literature in individuals affected with KIZ-related conditions. ClinVar contains an entry for this variant (Variation ID: 1509122). Variants that disrupt the consensus splice site are a relatively common cause of aberrant splicing (PMID: 17576681, 9536098). Algorithms developed to predict the effect of sequence changes on RNA splicing suggest that this variant is not likely to affect RNA splicing. In summary, the available evidence is currently insufficient to determine the role of this variant in disease. Therefore, it has been classified as a Variant of Uncertain Significance.

Literature cited by the submitters: PubMed 17576681; PubMed 9536098.

NM_018474.6(KIZ):c.1678+5A>G

Genes: KIZ-AS1 (KIZ antisense RNA 1; minus strand), KIZ (kizuna centrosomal protein; plus strand). Cytogenetic location: 20p11.23.
Variant type: single nucleotide variant.
Coding change: c.1678+5A>G on transcript NM_018474.6 (MANE Select); 5 bases into the intron after coding-DNA position 1678, A replaced by G.
Molecular consequence: intron variant.
Genome position (GRCh38, 1-based): chr20:21,215,653, A>G. VCF-style: chr20-21215653-A-G. GRCh37 (hg19) VCF-style: chr20-21196291-A-G.
Other names: c.1531+5A>G (NM_001276389.2); c.1336+5A>G (NM_001352436.2); c.1624+5A>G (NM_001352434.2); c.1369+5A>G (NM_001163022.3); c.1315+5A>G (NM_001352435.2); c.1279+5A>G (NM_001163023.3).
Identifiers: ClinVar variation 1509122 (VCV001509122.6), dbSNP rs890888969, ClinGen allele CA312985432.